The following is an entry in ClinVar:

NM_005477.3(HCN4):c.1315G>C (p.Val439Leu)

Gene: HCN4 (hyperpolarization activated cyclic nucleotide gated potassium channel 4; minus strand). Cytogenetic location: 15q24.1.
Variant type: single nucleotide variant.
Coding change: c.1315G>C on transcript NM_005477.3 (MANE Select); coding-DNA position 1315, G replaced by C.
Protein change: p.Val439Leu; replaces valine 439 with leucine.
Molecular consequence: missense variant.
Genome position (GRCh38, 1-based): chr15:73,332,187, C>G on the plus strand (G>C on the coding strand, the complement: HCN4 is on the minus strand). VCF-style: chr15-73332187-C-G. GRCh37 (hg19) VCF-style: chr15-73624528-C-G.
Other names: short protein forms V439L.
Identifiers: ClinVar variation 1433175 (VCV001433175.8), dbSNP rs769157750, ClinGen allele CA7649327.

ClinVar aggregate classification (germline): Uncertain significance (1 of 4 stars; one submission).

Conditions:
Brugada syndrome 8 (BRGDA8). Identifiers: Orphanet 130, MedGen C2751083, MONDO:0013148, OMIM 613123.

Allele frequency attached by ClinVar (database versions not stated): gnomAD exomes below 0.00001; ExAC 0.00001; TOPMed 0.00002.

Submission:

Labcorp Genetics (formerly Invitae), Labcorp
Classification: Uncertain significance for Brugada syndrome 8. Last evaluated: 2024-04-20. Review status: criteria provided, single submitter. Criteria: Invitae Variant Classification Sherloc (09022015). Collection method: clinical testing. Allele origin: germline.
Comment: This sequence change replaces valine, which is neutral and non-polar, with leucine, which is neutral and non-polar, at codon 439 of the HCN4 protein (p.Val439Leu). This variant is not present in population databases (gnomAD no frequency). This variant has not been reported in the literature in individuals affected with HCN4-related conditions. ClinVar contains an entry for this variant (Variation ID: 1433175). Advanced modeling of protein sequence and biophysical properties (such as structural, functional, and spatial information, amino acid conservation, physicochemical variation, residue mobility, and thermodynamic stability) performed at Invitae indicates that this missense variant is not expected to disrupt HCN4 protein function with a negative predictive value of 80%. In summary, the available evidence is currently insufficient to determine the role of this variant in disease. Therefore, it has been classified as a Variant of Uncertain Significance.